The following is an entry in ClinVar:

NM_006096.4(NDRG1):c.*100G>A

Gene: NDRG1 (N-myc downstream regulated 1; minus strand). Cytogenetic location: 8q24.22.
Variant type: single nucleotide variant.
Coding change: c.*100G>A on transcript NM_006096.4 (MANE Select); 100 bases downstream of the stop codon, G replaced by A.
Molecular consequence: 3 prime UTR variant.
Genome position (GRCh38, 1-based): chr8:133,238,778, C>T on the plus strand (G>A on the coding strand, the complement: NDRG1 is on the minus strand). VCF-style: chr8-133238778-C-T. GRCh37 (hg19) VCF-style: chr8-134251021-C-T.
Other names: c.*100G>A (NM_001135242.2, NM_001258432.2, NM_001258433.2 and 4 more transcripts).
Identifiers: ClinVar variation 362028 (VCV000362028.8), dbSNP rs2233348, ClinGen allele CA10627221.
Genomic context (GRCh38, chr8:133,238,778, plus strand): 5'-AATAGACCTCATTTGTCTCCACCAGAGCTCACTCTTACAAAATAAGCTTTGGATTAATAC[C>T]GAGTTAGGCGCAGTATGGCAGGCAGGGGGCGAAAAGGGGCCGGGGAGGAGGGGGCCACTA-3'

ClinVar aggregate classification (germline): Benign. Review status: criteria provided, multiple submitters, no conflicts (2 of 4 stars). 3 submissions from 3 submitters: Benign (3). Last evaluated 2018-10-25.

Conditions:
Charcot-Marie-Tooth disease type 4D. Also called: CHARCOT-MARIE-TOOTH DISEASE, DEMYELINATING, AUTOSOMAL RECESSIVE, TYPE 4D; NEUROPATHY, HEREDITARY MOTOR AND SENSORY, LOM TYPE; Charcot-Marie-Tooth Neuropathy Type 4D; CHARCOT-MARIE-TOOTH DISEASE, DEMYELINATING, TYPE 4D. Identifiers: Orphanet 99950, MedGen C1832334, MONDO:0011085, OMIM 601455.

Allele frequency attached by ClinVar (database versions not stated): gnomAD 0.01794 and 0.01904; 1000 Genomes Project 0.01897; TOPMed 0.02047; 1000 Genomes Project 30x 0.02108.

Submissions (3):

GeneDx
Classification: Benign. Last evaluated: 2018-10-25. Review status: criteria provided, single submitter. Criteria: GeneDx Variant Classification Process June 2021. Collection method: clinical testing. Allele origin: germline. Affected: yes.

Illumina Laboratory Services, Illumina
Classification: Benign for Charcot-Marie-Tooth disease type 4D. Last evaluated: 2018-01-13. Review status: criteria provided, single submitter. Criteria: ICSL Variant Classification Criteria 13 December 2019. Collection method: clinical testing. Allele origin: germline.
Comment: This variant was observed in the ICSL laboratory as part of a predisposition screen in an ostensibly healthy population. It had not been previously curated by ICSL or reported in the Human Gene Mutation Database (HGMD: prior to June 1st, 2018), and was therefore a candidate for classification through an automated scoring system. Utilizing variant allele frequency, disease prevalence and penetrance estimates, and inheritance mode, an automated score was calculated to assess if this variant is too frequent to cause the disease. Based on the score and internal cut-off values, a variant classified as benign is not then subjected to further curation. The score for this variant resulted in a classification of benign for this disease.

Breakthrough Genomics
Classification: Benign. Review status: criteria provided, single submitter. Criteria: ACMG Guidelines, 2015. Collection method: not provided. Allele origin: germline. Inheritance: Autosomal recessive inheritance. Affected: yes.